The following is an entry in ClinVar:

NM_001854.4(COL11A1):c.2447A>G (p.Lys816Arg)

Gene: COL11A1 (collagen type XI alpha 1 chain; minus strand). Cytogenetic location: 1p21.1.
Variant type: single nucleotide variant.
Coding change: c.2447A>G on transcript NM_001854.4 (MANE Select); coding-DNA position 2447, A replaced by G.
Protein change: p.Lys816Arg; replaces lysine 816 with arginine.
Molecular consequence: missense variant. On other transcripts: non-coding transcript variant (1).
Genome position (GRCh38, 1-based): chr1:102,987,688, T>C on the plus strand (A>G on the coding strand, the complement: COL11A1 is on the minus strand). VCF-style: chr1-102987688-T-C. GRCh37 (hg19) VCF-style: chr1-103453244-T-C.
Other names: c.2330A>G, p.Lys777Arg (NM_001190709.2); c.2483A>G, p.Lys828Arg (NM_080629.3); c.2099A>G, p.Lys700Arg (NM_080630.4); short protein forms K700R, K777R, K828R, K816R.
Identifiers: ClinVar variation 4774564 (VCV004774564.1).
Genomic context (GRCh38, chr1:102,987,688, plus strand): 5'-CCAACCTTTTCTCCTGCTTGACCTGAAGGACCTGGGTCTCCAGTTGGGCCTGCTCGACCT[T>C]TGGGTCCTTCAGGGCCATCTTCCCCTCTTGGGCCAATTTGACCAACTTCTCCCTGAGGCA-3'
Protein context (NP_001845.3, residues 806-826): PRGEDGPEGP[Lys816Arg]GRAGPTGDPG

ClinVar aggregate classification (germline): Uncertain significance (1 of 4 stars; one submission).

gnomAD v4.1: 8 of 1,613,628 alleles (0.0005%); highest among the groups gnomAD compares: Non-Finnish European, 0.00068%; no homozygotes.

Submission:

Labcorp Genetics (formerly Invitae), Labcorp
Classification: Uncertain significance. Last evaluated: 2025-05-19. Review status: criteria provided, single submitter. Criteria: Invitae Variant Classification Sherloc (09022015). Collection method: clinical testing. Allele origin: germline.
Comment: This sequence change replaces lysine, which is basic and polar, with arginine, which is basic and polar, at codon 816 of the COL11A1 protein (p.Lys816Arg). This variant is present in population databases (rs766287614, gnomAD 0.0009%). This variant has not been reported in the literature in individuals affected with COL11A1-related conditions. Invitae Evidence Modeling of protein sequence and biophysical properties (such as structural, functional, and spatial information, amino acid conservation, physicochemical variation, residue mobility, and thermodynamic stability) indicates that this missense variant is expected to disrupt COL11A1 protein function with a positive predictive value of 80%. In summary, the available evidence is currently insufficient to determine the role of this variant in disease. Therefore, it has been classified as a Variant of Uncertain Significance.